The following is an entry in ClinVar:

ClinVar aggregate classification (germline): Uncertain significance (1 of 4 stars; one submission).

Conditions:
Senior-Loken syndrome 8 (SLSN8). Identifiers: Orphanet 3156, MedGen C4225376, MONDO:0014579, OMIM 616307.
Asphyxiating thoracic dystrophy 5 (SRTD5). Also called: SHORT-RIB THORACIC DYSPLASIA 5 WITH OR WITHOUT POLYDACTYLY; SHORT-RIB THORACIC DYSPLASIA 5 WITHOUT POLYDACTYLY. Identifiers: Orphanet 474, MedGen C3280598, MONDO:0013717, OMIM 614376.

Allele frequency attached by ClinVar (database versions not stated): TOPMed below 0.00001; gnomAD 0.00001; gnomAD exomes 0.00001; ESP Exome Variant Server 0.00008.
gnomAD v4.1: 8 of 1,596,510 alleles (0.0005%); highest among the groups gnomAD compares: Non-Finnish European, 0.00069%; no homozygotes.

Submission:

Labcorp Genetics (formerly Invitae), Labcorp
Classification: Uncertain significance for Senior-Loken syndrome 8; Asphyxiating thoracic dystrophy 5. Last evaluated: 2023-10-13. Review status: criteria provided, single submitter. Criteria: Invitae Variant Classification Sherloc (09022015). Collection method: clinical testing. Allele origin: germline.
Comment: This sequence change falls in intron 6 of the WDR19 gene. It does not directly change the encoded amino acid sequence of the WDR19 protein. This variant is present in population databases (rs370721225, gnomAD 0.007%). This variant has not been reported in the literature in individuals affected with WDR19-related conditions. ClinVar contains an entry for this variant (Variation ID: 2184562). Algorithms developed to predict the effect of sequence changes on RNA splicing suggest that this variant may create or strengthen a splice site. In summary, the available evidence is currently insufficient to determine the role of this variant in disease. Therefore, it has been classified as a Variant of Uncertain Significance.

NM_025132.4(WDR19):c.522+8A>G

Gene: WDR19 (WD repeat domain 19; plus strand). Cytogenetic location: 4p14.
Variant type: single nucleotide variant.
Coding change: c.522+8A>G on transcript NM_025132.4 (MANE Select); 8 bases into the intron after coding-DNA position 522, A replaced by G.
Molecular consequence: intron variant.
Genome position (GRCh38, 1-based): chr4:39,199,601, A>G. VCF-style: chr4-39199601-A-G. GRCh37 (hg19) VCF-style: chr4-39201221-A-G.
Other names: c.42+8A>G (NM_001317924.2).
Identifiers: ClinVar variation 2184562 (VCV002184562.4), dbSNP rs370721225, ClinGen allele CA95683472.